The following is an entry in ClinVar:

ClinVar aggregate classification (germline): Uncertain significance (1 of 4 stars; one submission).

Conditions:
Cardiovascular phenotype. Identifiers: MedGen CN230736.

Allele frequency attached by ClinVar (database versions not stated): gnomAD exomes below 0.00001.
gnomAD v4.1: 2 of 1,009,072 alleles (0.0002%); highest among the groups gnomAD compares: Non-Finnish European, 0.00024%; no homozygotes.

Submission:

Ambry Genetics
Classification: Uncertain significance for Cardiovascular phenotype. Last evaluated: 2021-11-19. Review status: criteria provided, single submitter. Criteria: Ambry Variant Classification Scheme 2023. Collection method: clinical testing. Allele origin: germline.
Comment: The p.A24V variant (also known as c.71C>T), located in coding exon 2 of the TBX1 gene, results from a C to T substitution at nucleotide position 71. The alanine at codon 24 is replaced by valine, an amino acid with similar properties. This amino acid position is conserved. In addition, this alteration is predicted to be tolerated by in silico analysis. Since supporting evidence is limited at this time, the clinical significance of this alteration remains unclear.

NM_001379200.1(TBX1):c.98C>T (p.Ala33Val)

Gene: TBX1 (T-box transcription factor 1; plus strand). Cytogenetic location: 22q11.21.
Variant type: single nucleotide variant.
Coding change: c.98C>T on transcript NM_001379200.1 (MANE Select); coding-DNA position 98, C replaced by T.
Protein change: p.Ala33Val; replaces alanine 33 with valine.
Molecular consequence: missense variant.
Genome position (GRCh38, 1-based): chr22:19,760,941, C>T. VCF-style: chr22-19760941-C-T. GRCh37 (hg19) VCF-style: chr22-19748464-C-T.
Other names: c.71C>T, p.Ala24Val (NM_005992.1, NM_080646.2, NM_080647.1); short protein forms A24V, A33V.
Identifiers: ClinVar variation 1757649 (VCV001757649.2), dbSNP rs2517841399, ClinGen allele CA410681147.
Genomic context (GRCh38, chr22:19,760,941, plus strand): 5'-TCTCGCATTTCTGCGACGTTGCAGCCTTCACGGCCAGCAGCCTGAGCAGCCTGGGGGCCG[C>T]GGGGGGCTTCCCGGGCGCCGCGTCGCCCGGCGCCGACCCGTACGGCCCGCGCGAGCCCCC-3'
Protein context (NP_001366129.1, residues 23-43): TASSLSSLGA[Ala33Val]GGFPGAASPG